The following is an entry in ClinVar:

ClinVar aggregate classification (germline): Uncertain significance. Review status: criteria provided, multiple submitters, no conflicts (2 of 4 stars). 7 submissions from 7 submitters: Uncertain significance (7). Last evaluated 2026-06-12.

Conditions:
NPHP4-related disorder. Also called: NPHP4-related disorders; NPHP4-related condition. Identifiers: MedGen CN239384.
Senior-Loken syndrome 4 (SLSN4). Identifiers: Orphanet 3156, MedGen C1846979, MONDO:0011756, OMIM 606996.
Nephronophthisis 4 (NPHP4). Also called: NEPHRONOPHTHISIS 4, JUVENILE. Identifiers: Orphanet 655, MedGen C1847013, MONDO:0011752, OMIM 606966.
Nephronophthisis. Also called: Juvenile Nephronophthisis. Identifiers: Orphanet 655, MedGen C0687120, MONDO:0019005, HP:0000090.

Allele frequency attached by ClinVar (database versions not stated): TOPMed 0.00004; gnomAD 0.00005 and 0.00007; gnomAD exomes 0.00005 and 0.00007; ExAC 0.00008.
gnomAD v4.1: 113 of 1,607,404 alleles (0.007%); highest among the groups gnomAD compares: Middle Eastern, 0.067%; 1 homozygote.

Submissions (7):

PreventionGenetics, part of Exact Sciences
Classification: Uncertain significance for NPHP4-related condition. Last evaluated: 2026-06-12. Review status: criteria provided, single submitter. Criteria: ACMG Guidelines, 2015. Collection method: clinical testing. Allele origin: germline.
Comment: The NPHP4 c.3706G>A variant is predicted to result in the amino acid substitution p.Val1236Met. This variant has been reported in the homozygous state in three patients and heterozygous state in one patient with cardiovascular malformations (French et al. 2012. PubMed ID: 22550138). This variant is reported in 0.033% of alleles in individuals of South Asian descent in gnomAD. At this time, the clinical significance of this variant is uncertain due to the absence of conclusive functional and genetic evidence.

GeneDx
Classification: Uncertain significance. Last evaluated: 2025-06-20. Review status: criteria provided, single submitter. Criteria: GeneDx Variant Classification Process June 2021. Collection method: clinical testing. Allele origin: germline. Affected: yes.
Comment: Reported previously in the homozygous state in four individuals from a consanguineous family, all of whom had congenital heart malformations (PMID: 22550138); In silico analysis suggests that this missense variant does not alter protein structure/function; This variant is associated with the following publications: (PMID: 34426522, 22550138, 25133751)

Labcorp Genetics (formerly Invitae), Labcorp
Classification: Uncertain significance for Nephronophthisis. Last evaluated: 2025-03-13. Review status: criteria provided, single submitter. Criteria: Invitae Variant Classification Sherloc (09022015). Collection method: clinical testing. Allele origin: germline.
Comment: This sequence change replaces valine, which is neutral and non-polar, with methionine, which is neutral and non-polar, at codon 1236 of the NPHP4 protein (p.Val1236Met). This variant is present in population databases (rs781049266, gnomAD 0.03%). This variant has not been reported in the literature in individuals affected with NPHP4-related conditions. ClinVar contains an entry for this variant (Variation ID: 1056125). Invitae Evidence Modeling of protein sequence and biophysical properties (such as structural, functional, and spatial information, amino acid conservation, physicochemical variation, residue mobility, and thermodynamic stability) indicates that this missense variant is expected to disrupt NPHP4 protein function with a positive predictive value of 80%. In summary, the available evidence is currently insufficient to determine the role of this variant in disease. Therefore, it has been classified as a Variant of Uncertain Significance.

Fulgent Genetics
Classification: Uncertain significance for Nephronophthisis 4; Senior-Loken syndrome 4. Last evaluated: 2024-05-23. Review status: criteria provided, single submitter. Criteria: ACMG Guidelines, 2015. Collection method: clinical testing. Allele origin: germline.

Genomic Medicine Center of Excellence, King Faisal Specialist Hospital and Research Centre
Classification: Uncertain significance for Nephronophthisis 4. Last evaluated: 2024-04-04. Review status: criteria provided, single submitter. Criteria: ACMG Guidelines, 2015. Collection method: clinical testing. Allele origin: germline.

Blueprint Genetics
Classification: Uncertain significance. Last evaluated: 2024-03-27. Review status: criteria provided, single submitter. Criteria: ACMG Guidelines, 2015. Collection method: clinical testing. Allele origin: germline.

Breakthrough Genomics
Classification: Uncertain significance. Review status: criteria provided, single submitter. Criteria: ACMG Guidelines, 2015. Collection method: not provided. Allele origin: germline. Inheritance: Autosomal recessive inheritance. Affected: yes.

NM_015102.5(NPHP4):c.3706G>A (p.Val1236Met)

Gene: NPHP4 (nephrocystin 4; minus strand). Cytogenetic location: 1p36.31.
Variant type: single nucleotide variant.
Coding change: c.3706G>A on transcript NM_015102.5 (MANE Select); coding-DNA position 3706, G replaced by A.
Protein change: p.Val1236Met; replaces valine 1236 with methionine.
Molecular consequence: missense variant. On other transcripts: non-coding transcript variant (1).
Genome position (GRCh38, 1-based): chr1:5,865,212, C>T on the plus strand (G>A on the coding strand, the complement: NPHP4 is on the minus strand). VCF-style: chr1-5865212-C-T. GRCh37 (hg19) VCF-style: chr1-5925272-C-T.
Other names: c.2167G>A, p.Val723Met (NM_001291593.2); c.2170G>A, p.Val724Met (NM_001291594.2); c.3706G>A (NM_015102.3, NM_015102.4); short protein forms V1236M, V723M, V724M.
Identifiers: ClinVar variation 1056125 (VCV001056125.14), dbSNP rs781049266, ClinGen allele CA553493.
Genomic context (GRCh38, chr1:5,865,212, plus strand): 5'-GTGTCCCCCGAAGGACAAGGGACAGGCGGGTCAGCTGGCCTGCGACGCAGGAGACATCCA[C>T]GCGCTGCAGGGAGTGGAGGTAGACCTGCCACGTCTGTGTGGGTGTCGCCAGCCAGCGATC-3'
Protein context (NP_055917.1, residues 1226-1246): WQVYLHSLQR[Val1236Met]DVSCVAGQLT